The following is an entry in ClinVar:

ClinVar aggregate classification (germline): Uncertain significance (1 of 4 stars; one submission).

Allele frequency attached by ClinVar (database versions not stated): gnomAD 0.00001; 1000 Genomes Project 0.00020; 1000 Genomes Project 30x 0.00031.
gnomAD v4.1: 3 of 1,594,462 alleles (0.00019%); highest among the groups gnomAD compares: Non-Finnish European, 0.00026%; no homozygotes.

Submission:

GeneDx
Classification: Uncertain significance. Last evaluated: 2022-10-09. Review status: criteria provided, single submitter. Criteria: GeneDx Variant Classification Process June 2021. Collection method: clinical testing. Allele origin: germline. Affected: yes.
Comment: In silico analysis supports that this missense variant has a deleterious effect on protein structure/function; Has not been previously published as pathogenic or benign to our knowledge

NM_015557.3(CHD5):c.5843G>A (p.Gly1948Glu)

Gene: CHD5 (chromodomain helicase DNA binding protein 5; minus strand). Cytogenetic location: 1p36.31.
Variant type: single nucleotide variant.
Coding change: c.5843G>A on transcript NM_015557.3 (MANE Select); coding-DNA position 5843, G replaced by A.
Protein change: p.Gly1948Glu; replaces glycine 1948 with glutamic acid.
Molecular consequence: missense variant.
Genome position (GRCh38, 1-based): chr1:6,106,409, C>T on the plus strand (G>A on the coding strand, the complement: CHD5 is on the minus strand). VCF-style: chr1-6106409-C-T. GRCh37 (hg19) VCF-style: chr1-6166469-C-T.
Other names: short protein forms G1948E.
Identifiers: ClinVar variation 2497924 (VCV002497924.1), dbSNP rs538801025, ClinGen allele CA555657.